The following is an entry in ClinVar:

ClinVar aggregate classification (germline): Uncertain significance. Review status: criteria provided, multiple submitters, no conflicts (2 of 4 stars). 2 submissions from 2 submitters: Uncertain significance (2). Last evaluated 2025-06-09.

Allele frequency attached by ClinVar (database versions not stated): gnomAD exomes below 0.00001 and 0.00001.
gnomAD v4.1: 3 of 1,614,238 alleles (0.00019%); highest among the groups gnomAD compares: Admixed American, 0.0033%; no homozygotes.

Submissions (2):

Ambry Genetics
Classification: Uncertain significance. Last evaluated: 2025-06-09. Review status: criteria provided, single submitter. Criteria: Ambry Variant Classification Scheme 2023. Collection method: clinical testing. Allele origin: germline.

Labcorp Genetics (formerly Invitae), Labcorp
Classification: Uncertain significance. Last evaluated: 2024-06-26. Review status: criteria provided, single submitter. Criteria: Invitae Variant Classification Sherloc (09022015). Collection method: clinical testing. Allele origin: germline.
Comment: This sequence change replaces glutamic acid, which is acidic and polar, with aspartic acid, which is acidic and polar, at codon 139 of the ANKZF1 protein (p.Glu139Asp). This variant is present in population databases (no rsID available, gnomAD 0.006%). This variant has not been reported in the literature in individuals affected with ANKZF1-related conditions. ClinVar contains an entry for this variant (Variation ID: 1431135). Algorithms developed to predict the effect of missense changes on protein structure and function output the following: SIFT: "Not Available"; PolyPhen-2: "Benign"; Align-GVGD: "Not Available". The aspartic acid amino acid residue is found in multiple mammalian species, which suggests that this missense change does not adversely affect protein function. In summary, the available evidence is currently insufficient to determine the role of this variant in disease. Therefore, it has been classified as a Variant of Uncertain Significance.

NM_018089.3(ANKZF1):c.417G>C (p.Glu139Asp)

Gene: ANKZF1 (ankyrin repeat and zinc finger peptidyl tRNA hydrolase 1; plus strand). Cytogenetic location: 2q35.
Variant type: single nucleotide variant.
Coding change: c.417G>C on transcript NM_018089.3 (MANE Select); coding-DNA position 417, G replaced by C.
Protein change: p.Glu139Asp; replaces glutamic acid 139 with aspartic acid.
Molecular consequence: missense variant. On other transcripts: 5 prime UTR variant (1).
Genome position (GRCh38, 1-based): chr2:219,232,542, G>C. VCF-style: chr2-219232542-G-C. GRCh37 (hg19) VCF-style: chr2-220097264-G-C.
Other names: c.417G>C, p.Glu139Asp (NM_001042410.2); c.-214G>C (NM_001282792.2); c.417G>C (NM_018089.2); short protein forms E139D.
Identifiers: ClinVar variation 1431135 (VCV001431135.9), dbSNP rs1221807505, ClinGen allele CA350673623.